The following is an entry in ClinVar:

ClinVar aggregate classification (germline): Uncertain significance (1 of 4 stars; one submission).

Conditions:
Mucopolysaccharidosis, MPS-II (MPS2). Also called: Attenuated MPS (subtype; formerly known as mild MPS II); Severe MPS II; I2S deficiency; MPS 2; Hunter Syndrome; IDURONATE 2-SULFATASE DEFICIENCY. Identifiers: Orphanet 580, Orphanet 79388, MedGen C0026705, MONDO:0010674, OMIM 309900.

Allele frequency attached by ClinVar (database versions not stated): TOPMed below 0.00001.
gnomAD v4.1: 3 of 1,192,642 alleles (0.00025%); highest among the groups gnomAD compares: Non-Finnish European, 0.00034%; no homozygotes.

Submission:

Labcorp Genetics (formerly Invitae), Labcorp
Classification: Uncertain significance for Mucopolysaccharidosis, MPS-II. Last evaluated: 2025-07-21. Review status: criteria provided, single submitter. Criteria: Invitae Variant Classification Sherloc (09022015). Collection method: clinical testing. Allele origin: germline.
Comment: This sequence change replaces alanine, which is neutral and non-polar, with threonine, which is neutral and polar, at codon 36 of the IDS protein (p.Ala36Thr). This variant is not present in population databases (gnomAD no frequency). This variant has not been reported in the literature in individuals affected with IDS-related conditions. ClinVar contains an entry for this variant (Variation ID: 1908961). An algorithm developed to predict the effect of missense changes on protein structure and function outputs the following: PolyPhen-2: "Benign". The threonine amino acid residue is found in multiple mammalian species, which suggests that this missense change does not adversely affect protein function. In summary, the available evidence is currently insufficient to determine the role of this variant in disease. Therefore, it has been classified as a Variant of Uncertain Significance.

NM_000202.8(IDS):c.106G>A (p.Ala36Thr)

Gene: IDS (iduronate 2-sulfatase; minus strand). Cytogenetic location: Xq28.
Variant type: single nucleotide variant.
Coding change: c.106G>A on transcript NM_000202.8 (MANE Select); coding-DNA position 106, G replaced by A.
Protein change: p.Ala36Thr; replaces alanine 36 with threonine.
Molecular consequence: missense variant. On other transcripts: 5 prime UTR variant (1), non-coding transcript variant (1).
Genome position (GRCh38, 1-based): chrX:149,504,291, C>T on the plus strand (G>A on the coding strand, the complement: IDS is on the minus strand). VCF-style: chrX-149504291-C-T. GRCh37 (hg19) VCF-style: chrX-148585821-C-T.
Other names: c.-121G>A (NM_001166550.4); c.106G>A, p.Ala36Thr (NM_006123.5); short protein forms A36T.
Identifiers: ClinVar variation 1908961 (VCV001908961.3), dbSNP rs782736039, ClinGen allele CA10537733.